The following is an entry in ClinVar:

NM_000245.4(MET):c.105G>C (p.Met35Ile)

Gene: MET (MET proto-oncogene, receptor tyrosine kinase; plus strand). Cytogenetic location: 7q31.2.
Variant type: single nucleotide variant.
Coding change: c.105G>C on transcript NM_000245.4 (MANE Select); coding-DNA position 105, G replaced by C.
Protein change: p.Met35Ile; replaces methionine 35 with isoleucine.
Molecular consequence: missense variant. On other transcripts: intron variant (1).
Genome position (GRCh38, 1-based): chr7:116,699,189, G>C. VCF-style: chr7-116699189-G-C. GRCh37 (hg19) VCF-style: chr7-116339243-G-C.
Other names: c.105G>C (NM_001127500.2); c.105G>C, p.Met35Ile (NM_001127500.3, NM_001324401.3); c.-91+26612G>C (NM_001324402.2); short protein forms M35I.
Identifiers: ClinVar variation 485736 (VCV000485736.23), dbSNP rs376244358, ClinGen allele CA164887786.

ClinVar aggregate classification (germline): Conflicting classifications of pathogenicity. Review status: criteria provided, conflicting classifications (1 of 4 stars). 5 submissions from 5 submitters: Uncertain significance (3); Likely benign (2). Last evaluated 2025-12-09.

Conditions:
Renal cell carcinoma. Identifiers: Orphanet 217071, MedGen C0007134, MeSH D002292, MONDO:0005086, HP:0005584.
Autosomal recessive nonsyndromic hearing loss 97. Also called: Deafness, autosomal recessive 97. Identifiers: Orphanet 90636, MedGen C4084709, MONDO:0014739, OMIM 616705.
Hereditary cancer-predisposing syndrome. Also called: Tumor predisposition; Hereditary Cancer Syndrome; Hereditary neoplastic syndrome; Neoplastic Syndromes, Hereditary. Identifiers: Orphanet 140162, MedGen C0027672, MeSH D009386, MONDO:0015356.

Allele frequency attached by ClinVar (database versions not stated): gnomAD exomes below 0.00001 and 0.00001; TOPMed 0.00004; gnomAD 0.00005 and 0.00006; ESP Exome Variant Server 0.00008.
gnomAD v4.1: 20 of 1,613,848 alleles (0.0012%); highest among the groups gnomAD compares: African/African-American, 0.021%; no homozygotes.

Submissions (5):

Ambry Genetics
Classification: Likely benign for Hereditary cancer-predisposing syndrome. Last evaluated: 2025-12-09. Review status: criteria provided, single submitter. Criteria: Ambry Variant Classification Scheme 2023. Collection method: clinical testing. Allele origin: germline.

Labcorp Genetics (formerly Invitae), Labcorp
Classification: Likely benign for Renal cell carcinoma. Last evaluated: 2025-12-03. Review status: criteria provided, single submitter. Criteria: Invitae Variant Classification Sherloc (09022015). Collection method: clinical testing. Allele origin: germline.

Quest Diagnostics Nichols Institute San Juan Capistrano
Classification: Uncertain significance. Last evaluated: 2024-10-21. Review status: criteria provided, single submitter. Criteria: Quest Diagnostics criteria. Collection method: clinical testing. Allele origin: unknown.
Comment: The MET c.105G>C (p.Met35Ile) variant has been reported in an individual with breast cancer (PMID: 29684080 (2018)) in the published literature. The frequency of this variant in the general population, 0.00012 (3/24190 chromosomes (Genome Aggregation Database)), is uninformative in the assessment of its pathogenicity. Analysis of this variant using bioinformatics tools for the prediction of the effect of amino acid changes on protein structure and function yielded predictions that this variant is benign. Based on the available information, we are unable to determine the clinical significance of this variant.

Baylor Genetics
Classification: Uncertain significance for Autosomal recessive nonsyndromic hearing loss 97. Last evaluated: 2024-02-19. Review status: criteria provided, single submitter. Criteria: ACMG Guidelines, 2015. Collection method: clinical testing. Allele origin: unknown.

GeneDx
Classification: Uncertain significance. Last evaluated: 2023-12-28. Review status: criteria provided, single submitter. Criteria: GeneDx Variant Classification Process June 2021. Collection method: clinical testing. Allele origin: germline. Affected: yes.
Comment: Not observed at significant frequency in large population cohorts (gnomAD); In silico analysis supports that this missense variant does not alter protein structure/function; Has not been previously published as pathogenic or benign to our knowledge

Literature cited by the submitters: PubMed 29684080 (cited by Quest Diagnostics Nichols Institute San Juan Capistrano).